The following is an entry in ClinVar:

ClinVar aggregate classification (germline): Uncertain significance (1 of 4 stars; one submission).

gnomAD v4.1: 6 of 1,194,205 alleles (0.0005%); highest among the groups gnomAD compares: Non-Finnish European, 0.00056%; no homozygotes.

Submission:

CeGaT Center for Human Genetics Tuebingen
Classification: Uncertain significance. Last evaluated: 2023-09-01. Review status: criteria provided, single submitter. Criteria: CeGaT Center For Human Genetics Tuebingen Variant Classification Criteria Version 2. Collection method: clinical testing. Allele origin: germline. Affected: yes. Observed: 1 variant allele.
Comment: AIFM1: PM2

NM_004208.4(AIFM1):c.5T>A (p.Phe2Tyr)

Genes: AIFM1 (apoptosis inducing factor mitochondria associated 1; minus strand), RAB33A (RAB33A, member RAS oncogene family; plus strand), LOC130068679 (ATAC-STARR-seq lymphoblastoid active region 29939; plus strand). Cytogenetic location: Xq26.1.
Variant type: single nucleotide variant.
Coding change: c.5T>A on transcript NM_004208.4 (MANE Select); coding-DNA position 5, T replaced by A.
Protein change: p.Phe2Tyr; replaces phenylalanine 2 with tyrosine.
Molecular consequence: missense variant. On other transcripts: non-coding transcript variant (1).
Genome position (GRCh38, 1-based): chrX:130,165,652, A>T on the plus strand (T>A on the coding strand, the complement: AIFM1 is on the minus strand). VCF-style: chrX-130165652-A-T. GRCh37 (hg19) VCF-style: chrX-129299626-A-T.
Other names: c.5T>A, p.Phe2Tyr (NM_001130847.4, NM_145812.3); short protein forms F2Y.
Identifiers: ClinVar variation 2661435 (VCV002661435.24), dbSNP rs1326038976, ClinGen allele CA414565765.